The following is an entry in ClinVar:

ClinVar aggregate classification (germline): Uncertain significance (1 of 4 stars; one submission).

Submission:

Labcorp Genetics (formerly Invitae), Labcorp
Classification: Uncertain significance. Last evaluated: 2025-07-14. Review status: criteria provided, single submitter. Criteria: Invitae Variant Classification Sherloc (09022015). Collection method: clinical testing. Allele origin: germline.
Comment: This sequence change replaces glutamine, which is neutral and polar, with arginine, which is basic and polar, at codon 796 of the HPS3 protein (p.Gln796Arg). This variant is not present in population databases (gnomAD no frequency). This variant has not been reported in the literature in individuals affected with HPS3-related conditions. ClinVar contains an entry for this variant (Variation ID: 1002066). Invitae Evidence Modeling of protein sequence and biophysical properties (such as structural, functional, and spatial information, amino acid conservation, physicochemical variation, residue mobility, and thermodynamic stability) indicates that this missense variant is expected to disrupt HPS3 protein function with a positive predictive value of 80%. In summary, the available evidence is currently insufficient to determine the role of this variant in disease. Therefore, it has been classified as a Variant of Uncertain Significance.

NM_032383.5(HPS3):c.2387A>G (p.Gln796Arg)

Genes: CP (ceruloplasmin; minus strand), HPS3 (HPS3 biogenesis of lysosomal organelles complex 2 subunit 1; plus strand). Cytogenetic location: 3q24.
Variant type: single nucleotide variant.
Coding change: c.2387A>G on transcript NM_032383.5 (MANE Select); coding-DNA position 2387, A replaced by G.
Protein change: p.Gln796Arg; replaces glutamine 796 with arginine.
Molecular consequence: missense variant. On other transcripts: non-coding transcript variant (1).
Genome position (GRCh38, 1-based): chr3:149,162,784, A>G. VCF-style: chr3-149162784-A-G. GRCh37 (hg19) VCF-style: chr3-148880571-A-G.
Other names: c.1892A>G, p.Gln631Arg (NM_001308258.2); short protein forms Q631R, Q796R.
Identifiers: ClinVar variation 1002066 (VCV001002066.8), dbSNP rs1724008890, ClinGen allele CA354924448.
Genomic context (GRCh38, chr3:149,162,784, plus strand): 5'-AGCTCTTGGTAGACTTTTGGGAAGCTCAGCTAGTGGCATGTCTCCCAGATGTGGTACTTC[A>G]GGAACTCTTTTTCAAACTCACATCACAGTACATCTGGAGATTGTCTAAGAGGCAGCCTCC-3'
Protein context (NP_115759.2, residues 786-806): LVACLPDVVL[Gln796Arg]ELFFKLTSQY